The following is an entry in ClinVar:

NM_080916.3(DGUOK):c.834A>T (p.Ter278Tyr)

Genes: DGUOK (deoxyguanosine kinase; plus strand), DGUOK-AS1 (DGUOK antisense RNA 1; minus strand). Cytogenetic location: 2p13.1.
Variant type: single nucleotide variant.
Coding change: c.834A>T on transcript NM_080916.3 (MANE Select); coding-DNA position 834, A replaced by T.
Protein change: p.Ter278Tyr.
Molecular consequence: stop lost. On other transcripts: non-coding transcript variant (6).
Genome position (GRCh38, 1-based): chr2:73,958,736, A>T. VCF-style: chr2-73958736-A-T. GRCh37 (hg19) VCF-style: chr2-74185863-A-T.
Other names: c.552A>T, p.Ter184Tyr (NM_001318859.2); c.543A>T, p.Ter181Tyr (NM_001318860.2, NM_001318861.2); c.525A>T, p.Ter175Tyr (NM_001318862.2, NM_001318863.2); c.570A>T, p.Ter190Tyr (NM_080918.3).
Identifiers: ClinVar variation 2581440 (VCV002581440.1), dbSNP rs779773026, ClinGen allele CA1718380.

ClinVar aggregate classification (germline): Uncertain significance (1 of 4 stars; one submission).

Allele frequency attached by ClinVar (database versions not stated): gnomAD exomes below 0.00001; ExAC 0.00001.
gnomAD v4.1: 1 of 1,611,852 alleles (0.000062%); highest among the groups gnomAD compares: Non-Finnish European, 0.000085%; no homozygotes.

Submission:

Women's Health and Genetics/Laboratory Corporation of America, LabCorp
Classification: Uncertain significance. Last evaluated: 2023-08-29. Review status: criteria provided, single submitter. Criteria: LabCorp Variant Classification Summary - May 2015. Collection method: clinical testing. Allele origin: germline.
Comment: Variant summary: DGUOK c.834A>T (p.X278TyrextX4) changes the termination codon and is predicted to lead to an extended protein with additional amino acids added to the normal C-terminus. The variant allele was found at a frequency of 4e-06 in 251430 control chromosomes (gnomAD). The available data on variant occurrences in the general population are insufficient to allow any conclusion about variant significance. To our knowledge, no occurrence of c.834A>T in individuals affected with Mitochondrial DNA depletion syndrome 3 and no experimental evidence demonstrating its impact on protein function have been reported. No submitters have cited clinical-significance assessments for this variant to ClinVar after 2014. Based on the evidence outlined above, the variant was classified as uncertain significance.